The following is an entry in ClinVar:

ClinVar aggregate classification (germline): Uncertain significance (1 of 4 stars; one submission).

gnomAD v4.1: 1 of 1,562,724 alleles (0.000064%); highest among the groups gnomAD compares: East Asian, 0.0024%; no homozygotes.

Submission:

Labcorp Genetics (formerly Invitae), Labcorp
Classification: Uncertain significance. Last evaluated: 2024-12-10. Review status: criteria provided, single submitter. Criteria: Invitae Variant Classification Sherloc (09022015). Collection method: clinical testing. Allele origin: germline.
Comment: This sequence change replaces glutamic acid, which is acidic and polar, with aspartic acid, which is acidic and polar, at codon 223 of the LEMD3 protein (p.Glu223Asp). This variant is not present in population databases (gnomAD no frequency). This variant has not been reported in the literature in individuals affected with LEMD3-related conditions. Invitae Evidence Modeling of protein sequence and biophysical properties (such as structural, functional, and spatial information, amino acid conservation, physicochemical variation, residue mobility, and thermodynamic stability) indicates that this missense variant is not expected to disrupt LEMD3 protein function with a negative predictive value of 80%. In summary, the available evidence is currently insufficient to determine the role of this variant in disease. Therefore, it has been classified as a Variant of Uncertain Significance.

NM_014319.5(LEMD3):c.669G>T (p.Glu223Asp)

Gene: LEMD3 (LEM domain containing 3; plus strand). Cytogenetic location: 12q14.3.
Variant type: single nucleotide variant.
Coding change: c.669G>T on transcript NM_014319.5 (MANE Select); coding-DNA position 669, G replaced by T.
Protein change: p.Glu223Asp; replaces glutamic acid 223 with aspartic acid.
Molecular consequence: missense variant.
Genome position (GRCh38, 1-based): chr12:65,170,265, G>T. VCF-style: chr12-65170265-G-T. GRCh37 (hg19) VCF-style: chr12-65564045-G-T.
Other names: c.669G>T, p.Glu223Asp (NM_001167614.2); short protein forms E223D.
Identifiers: ClinVar variation 3661698 (VCV003661698.2).